The following is an entry in ClinVar:

ClinVar aggregate classification (germline): Uncertain significance (1 of 4 stars; one submission).

Submission:

Labcorp Genetics (formerly Invitae), Labcorp
Classification: Uncertain significance. Last evaluated: 2025-12-18. Review status: criteria provided, single submitter. Criteria: Invitae Variant Classification Sherloc (09022015). Collection method: clinical testing. Allele origin: germline.
Comment: This sequence change replaces proline, which is neutral and non-polar, with arginine, which is basic and polar, at codon 41 of the DRAM2 protein (p.Pro41Arg). This variant is not present in population databases (gnomAD no frequency). This variant has not been reported in the literature in individuals affected with DRAM2-related conditions. Invitae Evidence Modeling of protein sequence and biophysical properties (such as structural, functional, and spatial information, amino acid conservation, physicochemical variation, residue mobility, and thermodynamic stability) indicates that this missense variant is expected to disrupt DRAM2 protein function with a positive predictive value of 80%. In summary, the available evidence is currently insufficient to determine the role of this variant in disease. Therefore, it has been classified as a Variant of Uncertain Significance.

NM_001349884.2(DRAM2):c.122C>G (p.Pro41Arg)

Gene: DRAM2 (DNA damage regulated autophagy modulator 2; minus strand). Cytogenetic location: 1p13.3.
Variant type: single nucleotide variant.
Coding change: c.122C>G on transcript NM_001349884.2 (MANE Select); coding-DNA position 122, C replaced by G.
Protein change: p.Pro41Arg; replaces proline 41 with arginine.
Molecular consequence: missense variant. On other transcripts: 5 prime UTR variant (8), non-coding transcript variant (8).
Genome position (GRCh38, 1-based): chr1:111,131,433, G>C on the plus strand (C>G on the coding strand, the complement: DRAM2 is on the minus strand). VCF-style: chr1-111131433-G-C. GRCh37 (hg19) VCF-style: chr1-111674055-G-C.
Other names: c.122C>G, p.Pro41Arg (NM_001349881.2, NM_001349882.2, NM_001349885.2 and 1 more transcripts); c.-37C>G (NM_001349886.2, NM_001349887.2, NM_001349888.2); c.-129C>G (NM_001349889.2, NM_001349890.2, NM_001349892.2 and 1 more transcripts); c.-297C>G (NM_001349891.2); short protein forms P41R.
Identifiers: ClinVar variation 4690671 (VCV004690671.1).